The following is an entry in ClinVar:

NM_001171613.2(PREPL):c.-49+1802T>A

Gene: PREPL (prolyl endopeptidase like; minus strand). Cytogenetic location: 2p21.
Variant type: single nucleotide variant.
Coding change: c.-49+1802T>A on transcript NM_001171613.2 (MANE Select); 1802 bases into the intron after 49 bases upstream of the start codon, T replaced by A.
Molecular consequence: intron variant. On other transcripts: nonsense (7).
Genome position (GRCh38, 1-based): chr2:44,359,578, A>T on the plus strand (T>A on the coding strand, the complement: PREPL is on the minus strand). VCF-style: chr2-44359578-A-T. GRCh37 (hg19) VCF-style: chr2-44586717-A-T.
Other names: c.138T>A, p.Tyr46Ter (NM_001042385.2, NM_001042386.2, NM_001171603.1 and 4 more transcripts); c.-49+1946T>A (NM_001171617.1); c.-49+1839T>A (NM_001374277.1); short protein forms Y46*.
Identifiers: ClinVar variation 1073815 (VCV001073815.2), dbSNP rs2104270031, ClinGen allele CA346694896.
Genomic context (GRCh38, chr2:44,359,578, plus strand): 5'-TGGGATGTTTCTTGCTAACTCTGATATCTTGGGTTTATTCTGAAGACACTTGGTTAGGTG[A>T]TATTTTTTCAATTTTATTCTATTGTAACAATGATCAGCGAAGTTATAGTGATTCAAATGC-3'

ClinVar aggregate classification (germline): Pathogenic (1 of 4 stars; one submission).

Conditions:
Myasthenic syndrome, congenital, 22 (CMS22). Also called: PREPL DEFICIENCY. Identifiers: MedGen C4479088, MONDO:0044299, OMIM 616224.

Submission:

Labcorp Genetics (formerly Invitae), Labcorp
Classification: Pathogenic for Myasthenic syndrome, congenital, 22. Last evaluated: 2020-07-30. Review status: criteria provided, single submitter. Criteria: Invitae Variant Classification Sherloc (09022015). Collection method: clinical testing. Allele origin: germline.
Comment: This sequence change creates a premature translational stop signal (p.Tyr46*) in the PREPL gene. It is expected to result in an absent or disrupted protein product. This variant is not present in population databases (ExAC no frequency). This variant has not been reported in the literature in individuals with PREPL-related conditions. Loss-of-function variants in PREPL are known to be pathogenic (PMID: 24610330, 28726805, 29913539). For these reasons, this variant has been classified as Pathogenic.

Literature cited by the submitters: PubMed 24610330; PubMed 28726805; PubMed 29913539.